The following is an entry in ClinVar:

ClinVar aggregate classification (germline): Uncertain significance (1 of 4 stars; one submission).

Conditions:
Long QT syndrome (LQTS). Identifiers: MedGen C0023976, MeSH D008133, MONDO:0002442. Disease mechanism: loss of function. Inheritance: Various modes of inheritance.

Allele frequency attached by ClinVar (database versions not stated): gnomAD exomes below 0.00001; gnomAD 0.00001; TOPMed 0.00001.
gnomAD v4.1: 3 of 1,301,896 alleles (0.00023%); highest among the groups gnomAD compares: Non-Finnish European, 0.00019%; no homozygotes.

Submission:

Labcorp Genetics (formerly Invitae), Labcorp
Classification: Uncertain significance for Long QT syndrome. Last evaluated: 2022-05-12. Review status: criteria provided, single submitter. Criteria: Invitae Variant Classification Sherloc (09022015). Collection method: clinical testing. Allele origin: germline.
Comment: Algorithms developed to predict the effect of missense changes on protein structure and function are either unavailable or do not agree on the potential impact of this missense change (SIFT: "Tolerated"; PolyPhen-2: "Probably Damaging"; Align-GVGD: "Class C0"). This sequence change replaces serine, which is neutral and polar, with leucine, which is neutral and non-polar, at codon 283 of the KCNH2 protein (p.Ser283Leu). This variant is not present in population databases (gnomAD no frequency). This variant has not been reported in the literature in individuals affected with KCNH2-related conditions. In summary, the available evidence is currently insufficient to determine the role of this variant in disease. Therefore, it has been classified as a Variant of Uncertain Significance.

NM_000238.4(KCNH2):c.848C>T (p.Ser283Leu)

Gene: KCNH2 (potassium voltage-gated channel subfamily H member 2; minus strand). Cytogenetic location: 7q36.1.
Variant type: single nucleotide variant.
Coding change: c.848C>T on transcript NM_000238.4 (MANE Select); coding-DNA position 848, C replaced by T.
Protein change: p.Ser283Leu; replaces serine 283 with leucine.
Molecular consequence: missense variant.
Genome position (GRCh38, 1-based): chr7:150,958,127, G>A on the plus strand (C>T on the coding strand, the complement: KCNH2 is on the minus strand). VCF-style: chr7-150958127-G-A. GRCh37 (hg19) VCF-style: chr7-150655215-G-A.
Other names: c.560C>T, p.Ser187Leu (NM_001406753.1, NM_001406756.1); c.671C>T, p.Ser224Leu (NM_001406755.1); c.548C>T, p.Ser183Leu (NM_001406757.1); c.848C>T, p.Ser283Leu (NM_172056.3); short protein forms S283L, S183L, S187L, S224L.
Identifiers: ClinVar variation 1993585 (VCV001993585.4), dbSNP rs1344872588, ClinGen allele CA369862276.
Genomic context (GRCh38, chr7:150,958,127, plus strand): 5'-GCGTGGCGCGGTGGCGGGGGCAGCACCCCGGCGCGCATGGCCTCGATGTCGTCGGCCGAC[G>A]AGGCGCGGCGCACGCTGGCGCAGCTTTCTCGGGAGCGCGTCCGGGCCAGGCTGCAGCTGG-3'
Protein context (NP_000229.1, residues 273-293): RESCASVRRA[Ser283Leu]SADDIEAMRA